The following is an entry in ClinVar:

NM_001276345.2(TNNT2):c.427G>C (p.Glu143Gln)

Gene: TNNT2 (troponin T2, cardiac type; minus strand). Cytogenetic location: 1q32.1.
Variant type: single nucleotide variant.
Coding change: c.427G>C on transcript NM_001276345.2 (MANE Select); coding-DNA position 427, G replaced by C.
Protein change: p.Glu143Gln; replaces glutamic acid 143 with glutamine.
Molecular consequence: missense variant.
Genome position (GRCh38, 1-based): chr1:201,364,360, C>G on the plus strand (G>C on the coding strand, the complement: TNNT2 is on the minus strand). VCF-style: chr1-201364360-C-G. GRCh37 (hg19) VCF-style: chr1-201333488-C-G.
Other names: c.427G>C, p.Glu143Gln (NM_000364.4); c.397G>C, p.Glu133Gln (NM_001001430.3, NM_001001431.3, NM_001276347.2); c.382G>C, p.Glu128Gln (NM_001001432.3); c.307G>C, p.Glu103Gln (NM_001276346.2); short protein forms E133Q, E143Q, E128Q, E103Q.
Identifiers: ClinVar variation 927049 (VCV000927049.11), dbSNP rs1316344347, ClinGen allele CA344205938.

ClinVar aggregate classification (germline): Uncertain significance. Review status: criteria provided, multiple submitters, no conflicts (2 of 4 stars). 8 submissions from 6 submitters: Uncertain significance (8). Last evaluated 2026-01-19.

Conditions:
Dilated cardiomyopathy 1D. Identifiers: Orphanet 154, Orphanet 54260, MedGen C1832243, MONDO:0011095, OMIM 601494.
Cardiomyopathy, familial restrictive, 3. Identifiers: Orphanet 75249, MedGen C2676271, MONDO:0012900, OMIM 612422.
Hypertrophic cardiomyopathy 2. Also called: TNNT2-Related Familial Hypertrophic Cardiomyopathy. Identifiers: MedGen C1861864, MONDO:0007266, OMIM 115195.
Cardiomyopathy (CMYO). Also called: Cardiomyopathies. Identifiers: Orphanet 167848, MedGen C0878544, MONDO:0004994, HP:0001638. Inheritance: Various modes of inheritance.
Cardiovascular phenotype. Identifiers: MedGen CN230736.

Allele frequency attached by ClinVar (database versions not stated): TOPMed below 0.00001.

Submissions (8):

Labcorp Genetics (formerly Invitae), Labcorp
Classification: Uncertain significance for Cardiomyopathy, familial restrictive, 3; Hypertrophic cardiomyopathy 2; Dilated cardiomyopathy 1D. Last evaluated: 2026-01-19. Review status: criteria provided, single submitter. Criteria: Invitae Variant Classification Sherloc (09022015). Collection method: clinical testing. Allele origin: germline.
Comment: This sequence change replaces glutamic acid, which is acidic and polar, with glutamine, which is neutral and polar, at codon 133 of the TNNT2 protein (p.Glu133Gln). This variant is not present in population databases (gnomAD no frequency). This variant has not been reported in the literature in individuals affected with TNNT2-related conditions. ClinVar contains an entry for this variant (Variation ID: 927049). Invitae Evidence Modeling of protein sequence and biophysical properties (such as structural, functional, and spatial information, amino acid conservation, physicochemical variation, residue mobility, and thermodynamic stability) indicates that this missense variant is not expected to disrupt TNNT2 protein function with a negative predictive value of 80%. In summary, the available evidence is currently insufficient to determine the role of this variant in disease. Therefore, it has been classified as a Variant of Uncertain Significance.

Color Diagnostics, LLC DBA Color Health
Classification: Uncertain significance for Cardiomyopathy. Last evaluated: 2024-03-06. Review status: criteria provided, single submitter. Criteria: ACMG Guidelines, 2015. Collection method: clinical testing. Allele origin: germline.
Comment: This missense variant replaces glutamic acid with glutamine at codon 133 of the TNNT2 protein. Computational prediction suggests that this variant may have deleterious impact on protein structure and function (internally defined REVEL score threshold >= 0.7, PMID: 27666373). To our knowledge, functional studies have not been reported for this variant. This variant has not been reported in individuals affected with TNNT2-related disorders in the literature. This variant has not been identified in the general population by the Genome Aggregation Database (gnomAD). The available evidence is insufficient to determine the role of this variant in disease conclusively. Therefore, this variant is classified as a Variant of Uncertain Significance.

All of Us Research Program, National Institutes of Health
Classification: Uncertain significance for Cardiomyopathy. Last evaluated: 2024-02-05. Review status: criteria provided, single submitter. Criteria: ACMG Guidelines, 2015. Collection method: clinical testing. Allele origin: germline. Inheritance: Autosomal dominant inheritance. Observed: 2 variant alleles, 2 heterozygotes.
Comment: This missense variant replaces glutamic acid with glutamine at codon 133 of the TNNT2 protein. Computational prediction suggests that this variant may have deleterious impact on protein structure and function (internally defined REVEL score threshold >= 0.7, PMID: 27666373). To our knowledge, functional studies have not been reported for this variant. This variant has not been reported in individuals affected with TNNT2-related disorders in the literature. This variant has not been identified in the general population by the Genome Aggregation Database (gnomAD). The available evidence is insufficient to determine the role of this variant in disease conclusively. Therefore, this variant is classified as a Variant of Uncertain Significance.

This study involves interpretation of variants in research participants for the purpose of population health screening. Participant phenotype was not available at the time of variant classification. Additional details can be found in publication PMID: 35346344, PMCID: PMC8962531

Genome-Nilou Lab
Classification: Uncertain significance for Dilated cardiomyopathy 1D. Last evaluated: 2023-04-11. Review status: criteria provided, single submitter. Criteria: ACMG Guidelines, 2015. Collection method: clinical testing. Allele origin: germline. Affected: no.

Genome-Nilou Lab
Classification: Uncertain significance for Cardiomyopathy, familial restrictive, 3. Last evaluated: 2023-04-11. Review status: criteria provided, single submitter. Criteria: ACMG Guidelines, 2015. Collection method: clinical testing. Allele origin: germline. Affected: no.

Genome-Nilou Lab
Classification: Uncertain significance for Hypertrophic cardiomyopathy 2. Last evaluated: 2023-04-11. Review status: criteria provided, single submitter. Criteria: ACMG Guidelines, 2015. Collection method: clinical testing. Allele origin: germline. Affected: no.

Fulgent Genetics
Classification: Uncertain significance for Hypertrophic cardiomyopathy 2; Dilated cardiomyopathy 1D; Cardiomyopathy, familial restrictive, 3. Last evaluated: 2021-10-05. Review status: criteria provided, single submitter. Criteria: ACMG Guidelines, 2015. Collection method: clinical testing. Allele origin: unknown.

Ambry Genetics
Classification: Uncertain significance for Cardiovascular phenotype. Last evaluated: 2021-09-16. Review status: criteria provided, single submitter. Criteria: Ambry Variant Classification Scheme 2023. Collection method: clinical testing. Allele origin: germline.
Comment: The p.E133Q variant (also known as c.397G>C), located in coding exon 9 of the TNNT2 gene, results from a G to C substitution at nucleotide position 397. The glutamic acid at codon 133 is replaced by glutamine, an amino acid with highly similar properties. This amino acid position is conserved. In addition, this alteration is predicted to be deleterious by in silico analysis. Since supporting evidence is limited at this time, the clinical significance of this alteration remains unclear.